The following is an entry in ClinVar:

NM_001035.3(RYR2):c.9026G>A (p.Cys3009Tyr)

Gene: RYR2 (ryanodine receptor 2; plus strand). Cytogenetic location: 1q43.
Variant type: single nucleotide variant.
Coding change: c.9026G>A on transcript NM_001035.3 (MANE Select); coding-DNA position 9026, G replaced by A.
Protein change: p.Cys3009Tyr; replaces cysteine 3009 with tyrosine.
Molecular consequence: missense variant.
Genome position (GRCh38, 1-based): chr1:237,687,463, G>A. VCF-style: chr1-237687463-G-A. GRCh37 (hg19) VCF-style: chr1-237850763-G-A.
Other names: short protein forms C3009Y.
Identifiers: ClinVar variation 5037681 (VCV005037681.1).

ClinVar aggregate classification (germline): Uncertain significance (1 of 4 stars; one submission).

Submission:

GeneDx
Classification: Uncertain significance. Last evaluated: 2026-04-15. Review status: criteria provided, single submitter. Criteria: GeneDx Variant Classification Process June 2021. Collection method: clinical testing. Allele origin: germline.
Comment: Not observed at significant frequency in large population cohorts (gnomAD); In silico analysis supports that this missense variant has a deleterious effect on protein structure/function; Has not been previously published as pathogenic or benign to our knowledge; Not located in one of the three hot-spot regions of the RYR2 gene, where the majority of pathogenic missense variants occur (PMID: 19926015); This variant is associated with the following publications: (PMID: 19926015)